The following is an entry in ClinVar:

ClinVar aggregate classification (germline): Uncertain significance (1 of 4 stars; one submission).

Submission:

Labcorp Genetics (formerly Invitae), Labcorp
Classification: Uncertain significance. Last evaluated: 2023-12-07. Review status: criteria provided, single submitter. Criteria: Invitae Variant Classification Sherloc (09022015). Collection method: clinical testing. Allele origin: germline.
Comment: This sequence change replaces threonine, which is neutral and polar, with isoleucine, which is neutral and non-polar, at codon 1570 of the COL11A2 protein (p.Thr1570Ile). This variant is not present in population databases (gnomAD no frequency). This variant has not been reported in the literature in individuals affected with COL11A2-related conditions. ClinVar contains an entry for this variant (Variation ID: 1405558). Advanced modeling of protein sequence and biophysical properties (such as structural, functional, and spatial information, amino acid conservation, physicochemical variation, residue mobility, and thermodynamic stability) performed at Invitae indicates that this missense variant is not expected to disrupt COL11A2 protein function with a negative predictive value of 95%. In summary, the available evidence is currently insufficient to determine the role of this variant in disease. Therefore, it has been classified as a Variant of Uncertain Significance.

NM_080680.3(COL11A2):c.4709C>T (p.Thr1570Ile)

Gene: COL11A2 (collagen type XI alpha 2 chain; minus strand). Cytogenetic location: 6p21.32.
Variant type: single nucleotide variant.
Coding change: c.4709C>T on transcript NM_080680.3 (MANE Select); coding-DNA position 4709, C replaced by T.
Protein change: p.Thr1570Ile; replaces threonine 1570 with isoleucine.
Molecular consequence: missense variant.
Genome position (GRCh38, 1-based): chr6:33,165,590, G>A on the plus strand (C>T on the coding strand, the complement: COL11A2 is on the minus strand). VCF-style: chr6-33165590-G-A. GRCh37 (hg19) VCF-style: chr6-33133367-G-A.
Other names: c.4388C>T, p.Thr1463Ile (NM_080679.3); c.4451C>T, p.Thr1484Ile (NM_080681.3); short protein forms T1484I, T1570I, T1463I.
Identifiers: ClinVar variation 1405558 (VCV001405558.6), dbSNP rs2150516466, ClinGen allele CA363618274.